The following is an entry in ClinVar:

NM_198241.3(EIF4G1):c.3487C>T (p.Arg1163Trp)

Gene: EIF4G1 (eukaryotic translation initiation factor 4 gamma 1; plus strand). Cytogenetic location: 3q27.1.
Variant type: single nucleotide variant.
Coding change: c.3487C>T on transcript NM_198241.3 (MANE Select); coding-DNA position 3487, C replaced by T.
Protein change: p.Arg1163Trp; replaces arginine 1163 with tryptophan.
Molecular consequence: missense variant.
Genome position (GRCh38, 1-based): chr3:184,327,274, C>T. VCF-style: chr3-184327274-C-T. GRCh37 (hg19) VCF-style: chr3-184045062-C-T.
Other names: c.3508C>T, p.Arg1170Trp (NM_001194946.2, NM_001194947.2); c.3367C>T, p.Arg1123Trp (NM_001291157.2); c.2902C>T, p.Arg968Trp (NM_004953.5); c.3490C>T, p.Arg1164Trp (NM_182917.4); c.2995C>T, p.Arg999Trp (NM_198242.3); c.3226C>T, p.Arg1076Trp (NM_198244.3); c.3487C>T (NM_198241.2); short protein forms R1123W, R1164W, R1170W, R968W, R1076W, R1163W, R999W.
Identifiers: ClinVar variation 2213255 (VCV002213255.6), dbSNP rs751830609, ClinGen allele CA2732825.

ClinVar aggregate classification (germline): Uncertain significance. Review status: criteria provided, multiple submitters, no conflicts (2 of 4 stars). 3 submissions from 3 submitters: Uncertain significance (2). 1 of the submissions does not count toward it. Last evaluated 2025-05-23.

Conditions:
EIF4G1-related disorder. Also called: EIF4G1-related condition.

Allele frequency attached by ClinVar (database versions not stated): ExAC 0.00002; gnomAD exomes 0.00002; gnomAD 0.00003; TOPMed 0.00002.

Submissions (3):

Ambry Genetics
Classification: Uncertain significance. Last evaluated: 2025-05-23. Review status: criteria provided, single submitter. Criteria: Ambry Variant Classification Scheme 2023. Collection method: clinical testing. Allele origin: germline.

Women's Health and Genetics/Laboratory Corporation of America, LabCorp
Classification: Uncertain significance. Last evaluated: 2024-02-07. Review status: criteria provided, single submitter. Criteria: LabCorp Variant Classification Summary - May 2015. Collection method: clinical testing. Allele origin: germline.
Comment: Variant summary: EIF4G1 c.3487C>T (p.Arg1163Trp) results in a non-conservative amino acid change in the encoded protein sequence. Four of five in-silico tools predict a damaging effect of the variant on protein function. The variant allele was found at a frequency of 2.4e-05 in 251030 control chromosomes (gnomAD). The available data on variant occurrences in the general population are insufficient to allow any conclusion about variant significance. To our knowledge, no occurrence of c.3487C>T in individuals affected with Parkinson Disease 18, Autosomal Dominant, Susceptibility To and no experimental evidence demonstrating its impact on protein function have been reported. ClinVar contains an entry for this variant (Variation ID: 2213255). Based on the evidence outlined above, the variant was classified as uncertain significance.

PreventionGenetics, part of Exact Sciences
Classification: Uncertain significance for EIF4G1-related condition. Last evaluated: 2024-04-25. Review status: no assertion criteria provided. Collection method: clinical testing. Allele origin: germline. Not counted in ClinVar's aggregate classification.
Comment: The EIF4G1 c.3487C>T variant is predicted to result in the amino acid substitution p.Arg1163Trp. To our knowledge, this variant has not been reported in the literature. This variant is reported in 0.0062% of alleles in individuals of African descent in gnomAD. At this time, the clinical significance of this variant is uncertain due to the absence of conclusive functional and genetic evidence.